The following is an entry in ClinVar:

NM_001365536.1(SCN9A):c.2409T>A (p.Tyr803Ter)

Genes: SCN9A (sodium voltage-gated channel alpha subunit 9; minus strand), SCN1A-AS1 (SCN1A and SCN9A antisense RNA 1; plus strand). Cytogenetic location: 2q24.3.
Variant type: single nucleotide variant.
Coding change: c.2409T>A on transcript NM_001365536.1 (MANE Select); coding-DNA position 2409, T replaced by A.
Protein change: p.Tyr803Ter; replaces tyrosine 803 with a stop codon.
Molecular consequence: nonsense.
Genome position (GRCh38, 1-based): chr2:166,278,248, A>T on the plus strand (T>A on the coding strand, the complement: SCN9A is on the minus strand). VCF-style: chr2-166278248-A-T. GRCh37 (hg19) VCF-style: chr2-167134758-A-T.
Other names: c.2376T>A, p.Tyr792Ter (NM_002977.4); short protein forms Y792*, Y803*.
Identifiers: ClinVar variation 1076717 (VCV001076717.7), dbSNP rs142219317, ClinGen allele CA349078398.
Genomic context (GRCh38, chr2:166,278,248, plus strand): 5'-GAGCTCCACTAAACTTAAAGTCACAATAAGGCTGTCAAAAATATTCCAGCCTACTTGGAA[A>T]TACTCATATGGATCCATGGCAATCAGTTTTAATACCATTTCAGCTGCAAAGATTCCAGTA-3'

ClinVar aggregate classification (germline): Pathogenic (1 of 4 stars; one submission).

Conditions:
Generalized epilepsy with febrile seizures plus, type 7 (GEFSP7). Also called: GEFS+, TYPE 7. Identifiers: Orphanet 36387, MedGen C2751778, MONDO:0013470, OMIM 613863.
Neuropathy, hereditary sensory and autonomic, type 2A (HSAN2A). Also called: WNK1-Related HSAN2 (HSAN2A); HSAN IIA; NEUROPATHY, HEREDITARY SENSORY, TYPE IIA; NEUROPATHY, PROGRESSIVE SENSORY, OF CHILDREN; MORVAN DISEASE; NEUROPATHY, CONGENITAL SENSORY. Identifiers: Orphanet 970, MedGen C2752089, MONDO:0024309, OMIM 201300.

Submission:

Labcorp Genetics (formerly Invitae), Labcorp
Classification: Pathogenic for Neuropathy, hereditary sensory and autonomic, type 2A; Generalized epilepsy with febrile seizures plus, type 7. Last evaluated: 2020-06-30. Review status: criteria provided, single submitter. Criteria: Invitae Variant Classification Sherloc (09022015). Collection method: clinical testing. Allele origin: germline.
Comment: This variant has not been reported in the literature in individuals with SCN9A-related conditions. For these reasons, this variant has been classified as Pathogenic. Loss-of-function variants in SCN9A are known to be pathogenic (PMID: 17470132, 19304393). This variant is not present in population databases (ExAC no frequency). This sequence change creates a premature translational stop signal (p.Tyr792*) in the SCN9A gene. It is expected to result in an absent or disrupted protein product.

Literature cited by the submitters: PubMed 17470132; PubMed 19304393.